The following is an entry in ClinVar:

ClinVar aggregate classification (germline): Uncertain significance (1 of 4 stars; one submission).

Conditions:
Developmental and epileptic encephalopathy 94 (DEE94). Also called: CHD2-Related Neurodevelopmental Disorders; Epileptic encephalopathy, childhood-onset. Identifiers: Orphanet 1942, Orphanet 2382, MedGen C3809278, MONDO:0014150, OMIM 615369.

Submission:

Labcorp Genetics (formerly Invitae), Labcorp
Classification: Uncertain significance for Developmental and epileptic encephalopathy 94. Last evaluated: 2022-08-22. Review status: criteria provided, single submitter. Criteria: Invitae Variant Classification Sherloc (09022015). Collection method: clinical testing. Allele origin: germline.
Comment: In summary, the available evidence is currently insufficient to determine the role of this variant in disease. Therefore, it has been classified as a Variant of Uncertain Significance. Advanced modeling of protein sequence and biophysical properties (such as structural, functional, and spatial information, amino acid conservation, physicochemical variation, residue mobility, and thermodynamic stability) performed at Invitae indicates that this missense variant is not expected to disrupt CHD2 protein function. This variant has not been reported in the literature in individuals affected with CHD2-related conditions. This variant is not present in population databases (gnomAD no frequency). This sequence change replaces serine, which is neutral and polar, with proline, which is neutral and non-polar, at codon 1745 of the CHD2 protein (p.Ser1745Pro).

NM_001271.4(CHD2):c.5233T>C (p.Ser1745Pro)

Gene: CHD2 (chromodomain helicase DNA binding protein 2; plus strand). Cytogenetic location: 15q26.1.
Variant type: single nucleotide variant.
Coding change: c.5233T>C on transcript NM_001271.4 (MANE Select); coding-DNA position 5233, T replaced by C.
Protein change: p.Ser1745Pro; replaces serine 1745 with proline.
Molecular consequence: missense variant.
Genome position (GRCh38, 1-based): chr15:93,024,451, T>C. VCF-style: chr15-93024451-T-C. GRCh37 (hg19) VCF-style: chr15-93567681-T-C.
Other names: short protein forms S1745P.
Identifiers: ClinVar variation 1717595 (VCV001717595.6), dbSNP rs2505650701, ClinGen allele CA393908353.
Genomic context (GRCh38, chr15:93,024,451, plus strand): 5'-CGGAGGAGATCCGATGAATTTAGGCCTCAAAATTACCACCAGCAGGATTTCCGACGAATG[T>C]CTGATCACCGCCCCGCTATGGGCTACCATGGCCAGGGACCCTCAGACCATTACCGCTCTT-3'
Protein context (NP_001262.3, residues 1735-1755): NYHQQDFRRM[Ser1745Pro]DHRPAMGYHG